The following is an entry in ClinVar:

ClinVar aggregate classification (germline): Uncertain significance. Review status: criteria provided, multiple submitters, no conflicts (2 of 4 stars). 2 submissions from 2 submitters: Uncertain significance (2). Last evaluated 2024-10-06.

Conditions:
Nephronophthisis 14 (NPHP14). Identifiers: Orphanet 2318, MedGen C3539071, MONDO:0013916, OMIM 614844.

Allele frequency attached by ClinVar (database versions not stated): gnomAD exomes below 0.00001 and 0.00001; ExAC 0.00001; gnomAD 0.00003 and 0.00004; TOPMed 0.00003.
gnomAD v4.1: 18 of 1,613,110 alleles (0.0011%); highest among the groups gnomAD compares: African/African-American, 0.004%; no homozygotes.

Submissions (2):

Ambry Genetics
Classification: Uncertain significance. Last evaluated: 2024-10-06. Review status: criteria provided, single submitter. Criteria: Ambry Variant Classification Scheme 2023. Collection method: clinical testing. Allele origin: germline.

Labcorp Genetics (formerly Invitae), Labcorp
Classification: Uncertain significance for Nephronophthisis 14. Last evaluated: 2021-01-25. Review status: criteria provided, single submitter. Criteria: Invitae Variant Classification Sherloc (09022015). Collection method: clinical testing. Allele origin: germline.
Comment: In summary, the available evidence is currently insufficient to determine the role of this variant in disease. Therefore, it has been classified as a Variant of Uncertain Significance. Algorithms developed to predict the effect of sequence changes on RNA splicing suggest that this variant may create or strengthen a splice site, but this prediction has not been confirmed by published transcriptional studies. This sequence change replaces aspartic acid with glycine at codon 916 of the ZNF423 protein (p.Asp916Gly). The aspartic acid residue is highly conserved and there is a moderate physicochemical difference between aspartic acid and glycine. This variant is present in population databases (rs765351644, ExAC 0.002%). This variant has not been reported in the literature in individuals with ZNF423-related conditions. Algorithms developed to predict the effect of missense changes on protein structure and function are either unavailable or do not agree on the potential impact of this missense change (SIFT: "Deleterious"; PolyPhen-2: "Benign"; Align-GVGD: "Class C0").

NM_001379286.1(ZNF423):c.2771A>G (p.Asp924Gly)

Gene: ZNF423 (zinc finger protein 423; minus strand). Cytogenetic location: 16q12.1.
Variant type: single nucleotide variant.
Coding change: c.2771A>G on transcript NM_001379286.1 (MANE Select); coding-DNA position 2771, A replaced by G.
Protein change: p.Asp924Gly; replaces aspartic acid 924 with glycine.
Molecular consequence: missense variant.
Genome position (GRCh38, 1-based): chr16:49,636,405, T>C on the plus strand (A>G on the coding strand, the complement: ZNF423 is on the minus strand). VCF-style: chr16-49636405-T-C. GRCh37 (hg19) VCF-style: chr16-49670316-T-C.
Other names: c.2747A>G (NM_015069.2); c.2567A>G, p.Asp856Gly (NM_001271620.2); c.2396A>G, p.Asp799Gly (NM_001330533.2); c.2747A>G, p.Asp916Gly (NM_015069.5); short protein forms D856G, D924G, D799G, D916G.
Identifiers: ClinVar variation 1359631 (VCV001359631.9), dbSNP rs765351644, ClinGen allele CA8046431.